The following is an entry in ClinVar:

NM_005045.4(RELN):c.3468G>C (p.Gln1156His)

Gene: RELN (reelin; minus strand). Cytogenetic location: 7q22.1.
Variant type: single nucleotide variant.
Coding change: c.3468G>C on transcript NM_005045.4 (MANE Select); coding-DNA position 3468, G replaced by C.
Protein change: p.Gln1156His; replaces glutamine 1156 with histidine.
Molecular consequence: missense variant.
Genome position (GRCh38, 1-based): chr7:103,596,527, C>G on the plus strand (G>C on the coding strand, the complement: RELN is on the minus strand). VCF-style: chr7-103596527-C-G. GRCh37 (hg19) VCF-style: chr7-103236974-C-G.
Other names: c.3468G>C, p.Gln1156His (NM_173054.3); short protein forms Q1156H.
Identifiers: ClinVar variation 3748020 (VCV003748020.2).

ClinVar aggregate classification (germline): Uncertain significance (1 of 4 stars; one submission).

Conditions:
Norman-Roberts syndrome (LIS2). Also called: Lissencephaly 2 (Norman-Roberts type). Identifiers: Orphanet 89844, MedGen C0796089, MONDO:0009760, OMIM 257320.
Familial temporal lobe epilepsy 7. Identifiers: Orphanet 101046, MedGen C4225327, MONDO:0014639, OMIM 616436.

gnomAD v4.1: 2 of 1,614,052 alleles (0.00012%); highest among the groups gnomAD compares: Non-Finnish European, 0.00017%; no homozygotes.

Submission:

Labcorp Genetics (formerly Invitae), Labcorp
Classification: Uncertain significance for Familial temporal lobe epilepsy 7; Norman-Roberts syndrome. Last evaluated: 2024-09-25. Review status: criteria provided, single submitter. Criteria: Invitae Variant Classification Sherloc (09022015). Collection method: clinical testing. Allele origin: germline.
Comment: This sequence change replaces glutamine, which is neutral and polar, with histidine, which is basic and polar, at codon 1156 of the RELN protein (p.Gln1156His). This variant is not present in population databases (gnomAD no frequency). This variant has not been reported in the literature in individuals affected with RELN-related conditions. Invitae Evidence Modeling of protein sequence and biophysical properties (such as structural, functional, and spatial information, amino acid conservation, physicochemical variation, residue mobility, and thermodynamic stability) indicates that this missense variant is not expected to disrupt RELN protein function with a negative predictive value of 80%. In summary, the available evidence is currently insufficient to determine the role of this variant in disease. Therefore, it has been classified as a Variant of Uncertain Significance.